The following is an entry in ClinVar:

NM_000532.5(PCCB):c.866G>A (p.Arg289His)

Gene: PCCB (propionyl-CoA carboxylase subunit beta; plus strand). Cytogenetic location: 3q22.3.
Variant type: single nucleotide variant.
Coding change: c.866G>A on transcript NM_000532.5 (MANE Select); coding-DNA position 866, G replaced by A.
Protein change: p.Arg289His; replaces arginine 289 with histidine.
Molecular consequence: missense variant.
Genome position (GRCh38, 1-based): chr3:136,298,054, G>A. VCF-style: chr3-136298054-G-A. GRCh37 (hg19) VCF-style: chr3-136016896-G-A.
Other names: c.926G>A, p.Arg309His (NM_001178014.2); c.866G>A (NM_000532.4); short protein forms R289H, R309H.
Identifiers: ClinVar variation 1490828 (VCV001490828.6), dbSNP rs532142254, ClinGen allele CA2631896.

ClinVar aggregate classification (germline): Uncertain significance. Review status: criteria provided, multiple submitters, no conflicts (2 of 4 stars). 3 submissions from 3 submitters: Uncertain significance (3). Last evaluated 2025-08-21.

Conditions:
Inborn genetic diseases. Identifiers: MedGen C0950123, MeSH D030342.
Propionic acidemia (PROP). Also called: HYPERGLYCINEMIA WITH KETOACIDOSIS AND LEUKOPENIA; KETOTIC HYPERGLYCINEMIA; GLYCINEMIA, KETOTIC. Identifiers: Orphanet 35, MedGen C0268579, MONDO:0011628, OMIM 606054, HP:0003571.

Allele frequency attached by ClinVar (database versions not stated): TOPMed 0.00006; 1000 Genomes Project 30x 0.00016; 1000 Genomes Project 0.00020.
gnomAD v4.1: 32 of 1,614,120 alleles (0.002%); highest among the groups gnomAD compares: Admixed American, 0.02%; no homozygotes.

Submissions (3):

Ambry Genetics
Classification: Uncertain significance for Inborn genetic diseases. Last evaluated: 2025-08-21. Review status: criteria provided, single submitter. Criteria: Ambry Variant Classification Scheme 2023. Collection method: clinical testing. Allele origin: germline.

Labcorp Genetics (formerly Invitae), Labcorp
Classification: Uncertain significance for Propionic acidemia. Last evaluated: 2022-08-15. Review status: criteria provided, single submitter. Criteria: Invitae Variant Classification Sherloc (09022015). Collection method: clinical testing. Allele origin: germline.
Comment: This sequence change replaces arginine, which is basic and polar, with histidine, which is basic and polar, at codon 289 of the PCCB protein (p.Arg289His). This variant is present in population databases (rs532142254, gnomAD 0.02%). This variant has not been reported in the literature in individuals affected with PCCB-related conditions. ClinVar contains an entry for this variant (Variation ID: 1490828). Advanced modeling of protein sequence and biophysical properties (such as structural, functional, and spatial information, amino acid conservation, physicochemical variation, residue mobility, and thermodynamic stability) performed at Invitae indicates that this missense variant is not expected to disrupt PCCB protein function. Algorithms developed to predict the effect of sequence changes on RNA splicing suggest that this variant may disrupt the consensus splice site. In summary, the available evidence is currently insufficient to determine the role of this variant in disease. Therefore, it has been classified as a Variant of Uncertain Significance.

Blueprint Genetics
Classification: Uncertain significance. Last evaluated: 2020-10-22. Review status: criteria provided, single submitter. Criteria: ACMG Guidelines, 2015. Collection method: clinical testing. Allele origin: germline.